The following is an entry in ClinVar:

ClinVar aggregate classification (germline): Uncertain significance (1 of 4 stars; one submission).

Conditions:
Distal hereditary motor neuropathy type 2. Identifiers: Orphanet 139525, MedGen C3711384, MeSH C580044, MONDO:0015352.

Allele frequency attached by ClinVar (database versions not stated): gnomAD 0.00002; TOPMed 0.00004.
gnomAD v4.1: 4 of 1,613,700 alleles (0.00025%); highest among the groups gnomAD compares: African/African-American, 0.004%; no homozygotes.

Submission:

Labcorp Genetics (formerly Invitae), Labcorp
Classification: Uncertain significance for Distal hereditary motor neuropathy type 2. Last evaluated: 2022-11-20. Review status: criteria provided, single submitter. Criteria: Invitae Variant Classification Sherloc (09022015). Collection method: clinical testing. Allele origin: germline.
Comment: In summary, the available evidence is currently insufficient to determine the role of this variant in disease. Therefore, it has been classified as a Variant of Uncertain Significance. Advanced modeling of protein sequence and biophysical properties (such as structural, functional, and spatial information, amino acid conservation, physicochemical variation, residue mobility, and thermodynamic stability) performed at Invitae indicates that this missense variant is not expected to disrupt FBXO38 protein function. This variant has not been reported in the literature in individuals affected with FBXO38-related conditions. This variant is not present in population databases (gnomAD no frequency). This sequence change replaces asparagine, which is neutral and polar, with histidine, which is basic and polar, at codon 560 of the FBXO38 protein (p.Asn560His).

NM_205836.3(FBXO38):c.1678A>C (p.Asn560His)

Gene: FBXO38 (F-box protein 38; plus strand). Cytogenetic location: 5q32.
Variant type: single nucleotide variant.
Coding change: c.1678A>C on transcript NM_205836.3 (MANE Select); coding-DNA position 1678, A replaced by C.
Protein change: p.Asn560His; replaces asparagine 560 with histidine.
Molecular consequence: missense variant.
Genome position (GRCh38, 1-based): chr5:148,424,057, A>C. VCF-style: chr5-148424057-A-C. GRCh37 (hg19) VCF-style: chr5-147803620-A-C.
Other names: c.1678A>C, p.Asn560His (NM_001271723.2, NM_030793.5); short protein forms N560H.
Identifiers: ClinVar variation 2426985 (VCV002426985.6), dbSNP rs1047521757, ClinGen allele CA128948241.
Genomic context (GRCh38, chr5:148,424,057, plus strand): 5'-GCATTAAATGAGATGGAAGACATCGTCCAAGAAGATGGAGAGGTGGTGGCCGAGAGTGGA[A>C]ATAATACTCCAGCTCACAGCCAGGCAATTATTCCTGTGGATGTTGATGAGGAACAAGCAG-3'
Protein context (NP_995308.1, residues 550-570): EDGEVVAESG[Asn560His]NTPAHSQAII